The following is an entry in ClinVar:

ClinVar aggregate classification (germline): Uncertain significance (1 of 4 stars; one submission).

Conditions:
GM1 gangliosidosis. Identifiers: Orphanet 354, MedGen C0085131, MONDO:0018149.
Mucopolysaccharidosis, MPS-IV-B (MPS4B). Also called: MORQUIO SYNDROME B; Mucopolysaccharidosis Type IVB (Morquio B Disease); Mucopolysaccharidosis type 4B; Mucopolysaccharidosis type IVB (Morquio); MPS IVB; Mucopolysaccharidosis type IV B. Identifiers: Orphanet 309310, Orphanet 582, MedGen C0086652, MONDO:0009660, OMIM 253010.

Allele frequency attached by ClinVar (database versions not stated): TOPMed below 0.00001; gnomAD 0.00001; gnomAD exomes 0.00003.
gnomAD v4.1: 26 of 1,613,318 alleles (0.0016%); highest among the groups gnomAD compares: Non-Finnish European, 0.0022%; no homozygotes.

Submission:

Labcorp Genetics (formerly Invitae), Labcorp
Classification: Uncertain significance for Mucopolysaccharidosis, MPS-IV-B; GM1 gangliosidosis. Last evaluated: 2022-07-26. Review status: criteria provided, single submitter. Criteria: Invitae Variant Classification Sherloc (09022015). Collection method: clinical testing. Allele origin: germline.
Comment: This sequence change replaces glycine, which is neutral and non-polar, with serine, which is neutral and polar, at codon 585 of the GLB1 protein (p.Gly585Ser). This variant is not present in population databases (gnomAD no frequency). This variant has not been reported in the literature in individuals affected with GLB1-related conditions. ClinVar contains an entry for this variant (Variation ID: 1428950). Advanced modeling of protein sequence and biophysical properties (such as structural, functional, and spatial information, amino acid conservation, physicochemical variation, residue mobility, and thermodynamic stability) performed at Invitae indicates that this missense variant is expected to disrupt GLB1 protein function. In summary, the available evidence is currently insufficient to determine the role of this variant in disease. Therefore, it has been classified as a Variant of Uncertain Significance.

NM_000404.4(GLB1):c.1753G>A (p.Gly585Ser)

Gene: GLB1 (galactosidase beta 1; minus strand). Cytogenetic location: 3p22.3.
Variant type: single nucleotide variant.
Coding change: c.1753G>A on transcript NM_000404.4 (MANE Select); coding-DNA position 1753, G replaced by A.
Protein change: p.Gly585Ser; replaces glycine 585 with serine.
Molecular consequence: missense variant. On other transcripts: intron variant (1).
Genome position (GRCh38, 1-based): chr3:32,997,326, C>T on the plus strand (G>A on the coding strand, the complement: GLB1 is on the minus strand). VCF-style: chr3-32997326-C-T. GRCh37 (hg19) VCF-style: chr3-33038818-C-T.
Other names: c.1663G>A, p.Gly555Ser (NM_001079811.3); c.1360G>A, p.Gly454Ser (NM_001135602.3); c.1897G>A, p.Gly633Ser (NM_001317040.2); c.1734+16730G>A (NM_001393580.1); short protein forms G454S, G633S, G585S, G555S.
Identifiers: ClinVar variation 1428950 (VCV001428950.3), dbSNP rs1291361971, ClinGen allele CA352000819.
Genomic context (GRCh38, chr3:32,997,326, plus strand): 5'-GGGGCACAAACAAGGTCAACTGAGGGCCCCGGGCTGGCCAATAGCGGCCAAGGTTAAAGC[C>T]ATTAATCCAGACCTGGCCCTGGAGAGAGAGAGACAGAGAACCATCAACCCCAGATGCACC-3'
Protein context (NP_000395.3, residues 575-595): GWTKGQVWIN[Gly585Ser]FNLGRYWPAR